The following is an entry in ClinVar:

ClinVar aggregate classification (germline): Likely pathogenic (1 of 4 stars; one submission).

Conditions:
Cardiovascular phenotype. Identifiers: MedGen CN230736.

Submission:

Ambry Genetics
Classification: Likely pathogenic for Cardiovascular phenotype. Last evaluated: 2024-06-13. Review status: criteria provided, single submitter. Criteria: Ambry Variant Classification Scheme 2023. Collection method: clinical testing. Allele origin: germline.
Comment: The p.Q4931* variant (also known as c.14791C>T), located in coding exon 55 of the TTN gene, results from a C to T substitution at nucleotide position 14791. This changes the amino acid from a glutamine to a stop codon within coding exon 55. This exon is located in the I-band region of the N2-B isoform of the titin protein and is constitutively expressed in TTN transcripts (percent spliced in or PSI 100%). This variant is considered to be rare based on population cohorts in the Genome Aggregation Database (gnomAD). This alteration is expected to result in loss of function by premature protein truncation or nonsense-mediated mRNA decay. While truncating variants in TTN are present in 1-3% of the general population, truncating variants in the A-band are the most common cause of dilated cardiomyopathy (DCM) (Herman DS et al. N. Engl. J. Med., 2012 Feb;366:619-28; Roberts AM et al. Sci Transl Med, 2015 Jan;7:270ra6). TTN truncating variants encoded in constitutive exons (PSI >90%) have been found to be significantly associated with DCM regardless of their position in titin (Schafer S et al. Nat. Genet., 2017 01;49:46-53). Based on the majority of available evidence to date, this variant is likely to be pathogenic.

NM_001267550.2(TTN):c.41986C>T (p.Gln13996Ter)

Gene: TTN (titin; minus strand). Cytogenetic location: 2q31.2.
Variant type: single nucleotide variant.
Coding change: c.41986C>T on transcript NM_001267550.2 (MANE Select); coding-DNA position 41986, C replaced by T.
Protein change: p.Gln13996Ter; replaces glutamine 13996 with a stop codon.
Molecular consequence: nonsense.
Genome position (GRCh38, 1-based): chr2:178,635,203, G>A on the plus strand (C>T on the coding strand, the complement: TTN is on the minus strand). VCF-style: chr2-178635203-G-A. GRCh37 (hg19) VCF-style: chr2-179499930-G-A.
Other names: c.37063C>T, p.Gln12355Ter (NM_001256850.1); c.14791C>T, p.Gln4931Ter (NM_003319.4); c.34282C>T, p.Gln11428Ter (NM_133378.4); c.15166C>T, p.Gln5056Ter (NM_133432.3); c.15367C>T, p.Gln5123Ter (NM_133437.4); short protein forms Q5056*, Q11428*, Q5123*, Q4931*, Q12355*, Q13996*.
Identifiers: ClinVar variation 3330130 (VCV003330130.1).